The following is an entry in ClinVar:

ClinVar aggregate classification (germline): Uncertain significance (1 of 4 stars; one submission).

Conditions:
Hereditary cancer-predisposing syndrome. Also called: Neoplastic Syndromes, Hereditary; Tumor predisposition; Hereditary neoplastic syndrome; Hereditary Cancer Syndrome. Identifiers: Orphanet 140162, MedGen C0027672, MeSH D009386, MONDO:0015356.

gnomAD v4.1: 1 of 1,614,064 alleles (0.000062%); highest among the groups gnomAD compares: African/African-American, 0.0013%; no homozygotes.

Submission:

Ambry Genetics
Classification: Uncertain significance for Hereditary cancer-predisposing syndrome. Last evaluated: 2026-07-06. Review status: criteria provided, single submitter. Criteria: Ambry Variant Classification Scheme 2023. Collection method: clinical testing. Allele origin: germline.
Comment: The p.A2274S variant (also known as c.6820G>T), located in coding exon 15 of the APC gene, results from a G to T substitution at nucleotide position 6820. The alanine at codon 2274 is replaced by serine, an amino acid with similar properties. This amino acid position is conserved. In addition, in silico predictors for this gene do not accurately predict pathogenicity. Based on the available evidence, the clinical significance of this variant remains unclear.

NM_000038.6(APC):c.6820G>T (p.Ala2274Ser)

Gene: APC (APC regulator of Wnt signaling pathway; plus strand). Cytogenetic location: 5q22.2.
Variant type: single nucleotide variant.
Coding change: c.6820G>T on transcript NM_000038.6 (MANE Select); coding-DNA position 6820, G replaced by T.
Protein change: p.Ala2274Ser; replaces alanine 2274 with serine.
Molecular consequence: missense variant. On other transcripts: non-coding transcript variant (2).
Genome position (GRCh38, 1-based): chr5:112,842,414, G>T. VCF-style: chr5-112842414-G-T. GRCh37 (hg19) VCF-style: chr5-112178111-G-T.
Other names: c.6820G>T, p.Ala2274Ser (NM_001127510.3, NM_001354895.2, NM_001407450.1); c.6766G>T, p.Ala2256Ser (NM_001127511.3); c.6874G>T, p.Ala2292Ser (NM_001354896.2, NM_001407447.1, NM_001407448.1 and 1 more transcripts); c.6850G>T, p.Ala2284Ser (NM_001354897.2); c.6745G>T, p.Ala2249Ser (NM_001354898.2); c.6736G>T, p.Ala2246Ser (NM_001354899.2); c.6697G>T, p.Ala2233Ser (NM_001354900.2); c.6643G>T, p.Ala2215Ser (NM_001354901.2, NM_001407453.1); and 11 more; short protein forms A1890S, A1991S, A2215S, A2267S, A2145S, A2183S, A2191S, A2233S.
Identifiers: ClinVar variation 5024960 (VCV005024960.1).